The following is an entry in ClinVar:

ClinVar aggregate classification (germline): Benign (1 of 4 stars; one submission).

Allele frequency attached by ClinVar (database versions not stated): gnomAD 0.13750 and 0.13839; TOPMed 0.13783; 1000 Genomes Project 0.13838; 1000 Genomes Project 30x 0.13944.
gnomAD v4.1: 20,959 of 152,240 alleles (14%); highest among the groups gnomAD compares: Non-Finnish European, 15%; 1,505 homozygotes.

Submission:

GeneDx
Classification: Benign. Last evaluated: 2018-06-19. Review status: criteria provided, single submitter. Criteria: GeneDx Variant Classification (06012015). Collection method: clinical testing. Allele origin: germline. Affected: yes.
Comment: This variant is considered likely benign or benign based on one or more of the following criteria: it is a conservative change, it occurs at a poorly conserved position in the protein, it is predicted to be benign by multiple in silico algorithms, and/or has population frequency not consistent with disease.

NM_001040142.2(SCN2A):c.3675+294G>C

Gene: SCN2A (sodium voltage-gated channel alpha subunit 2; plus strand). Cytogenetic location: 2q24.3.
Variant type: single nucleotide variant.
Coding change: c.3675+294G>C on transcript NM_001040142.2 (MANE Select); 294 bases into the intron after coding-DNA position 3675, G replaced by C.
Molecular consequence: intron variant.
Genome position (GRCh38, 1-based): chr2:165,367,665, G>C. VCF-style: chr2-165367665-G-C. GRCh37 (hg19) VCF-style: chr2-166224175-G-C.
Other names: c.3675+294G>C (NM_001040143.2, NM_001371246.1, NM_001371247.1 and 1 more transcripts).
Identifiers: ClinVar variation 684243 (VCV000684243.1), dbSNP rs6738837, ClinGen allele CA11279492.